The following is an entry in ClinVar:

ClinVar aggregate classification (germline): Benign (1 of 4 stars; one submission).

Allele frequency attached by ClinVar (database versions not stated): 1000 Genomes Project 0.04653; 1000 Genomes Project 30x 0.04778; TOPMed 0.08059; gnomAD 0.08552 and 0.08726.
gnomAD v4.1: 13,104 of 152,154 alleles (8.6%); highest among the groups gnomAD compares: Middle Eastern, 14%; 767 homozygotes.

Submission:

GeneDx
Classification: Benign. Last evaluated: 2018-06-14. Review status: criteria provided, single submitter. Criteria: GeneDx Variant Classification (06012015). Collection method: clinical testing. Allele origin: germline. Affected: yes.
Comment: This variant is considered likely benign or benign based on one or more of the following criteria: it is a conservative change, it occurs at a poorly conserved position in the protein, it is predicted to be benign by multiple in silico algorithms, and/or has population frequency not consistent with disease.

NM_001384732.1(CPLANE1):c.4080+191G>A

Gene: CPLANE1 (ciliogenesis and planar polarity effector complex subunit 1; minus strand). Cytogenetic location: 5p13.2.
Variant type: single nucleotide variant.
Coding change: c.4080+191G>A on transcript NM_001384732.1 (MANE Select); 191 bases into the intron after coding-DNA position 4080, G replaced by A.
Molecular consequence: intron variant.
Genome position (GRCh38, 1-based): chr5:37,187,223, C>T on the plus strand (G>A on the coding strand, the complement: CPLANE1 is on the minus strand). VCF-style: chr5-37187223-C-T. GRCh37 (hg19) VCF-style: chr5-37187325-C-T.
Other names: c.4080+191G>A (NM_023073.4).
Identifiers: ClinVar variation 680215 (VCV000680215.1), dbSNP rs77210276, ClinGen allele CA12024613.